The following is an entry in ClinVar:

ClinVar aggregate classification (germline): Uncertain significance (1 of 4 stars; one submission).

Conditions:
PKD1-related disorder. Also called: PKD1-related condition.

gnomAD v4.1: 1 of 1,571,276 alleles (0.000064%); highest among the groups gnomAD compares: Non-Finnish European, 0.000086%; no homozygotes.

Submission:

PreventionGenetics, part of Exact Sciences
Classification: Uncertain significance for PKD1-related condition. Last evaluated: 2026-08-26. Review status: criteria provided, single submitter. Criteria: ACMG Guidelines, 2015. Collection method: clinical testing. Allele origin: germline.
Comment: The PKD1 c.6419C>T variant is predicted to result in the amino acid substitution p.Thr2140Ile. To our knowledge, this variant has not been reported in the literature or in a large population database (gnomAD), indicating this variant is rare. At this time, the clinical significance of this variant is uncertain due to the absence of conclusive functional and genetic evidence.

NM_001009944.3(PKD1):c.6419C>T (p.Thr2140Ile)

Gene: PKD1 (polycystin 1, transient receptor potential channel interacting; minus strand). Cytogenetic location: 16p13.3.
Variant type: single nucleotide variant.
Coding change: c.6419C>T on transcript NM_001009944.3 (MANE Select); coding-DNA position 6419, C replaced by T.
Protein change: p.Thr2140Ile; replaces threonine 2140 with isoleucine.
Molecular consequence: missense variant.
Genome position (GRCh38, 1-based): chr16:2,108,748, G>A on the plus strand (C>T on the coding strand, the complement: PKD1 is on the minus strand). VCF-style: chr16-2108748-G-A. GRCh37 (hg19) VCF-style: chr16-2158749-G-A.
Other names: c.6419C>T, p.Thr2140Ile (NM_000296.4); short protein forms T2140I.
Identifiers: ClinVar variation 4992375 (VCV004992375.1).
Genomic context (GRCh38, chr16:2,108,748, plus strand): 5'-AGCACCTGCAGGGGCAGGACCACGTCCACCTCCGGCTCCCGGCAGGCCAGCACCTGGACG[G>A]TCACCGTGGCCTGCGCCACGAAGAAGCTCACCAGGTTGGAGGCGTTCACCTGCACGCGGT-3'
Protein context (NP_001009944.3, residues 2130-2150): VSFFVAQATV[Thr2140Ile]VQVLACREPE